The following is an entry in ClinVar:

ClinVar aggregate classification (germline): Pathogenic (1 of 4 stars; one submission).

Conditions:
Rubinstein-Taybi syndrome (RSTS). Identifiers: Orphanet 783, MedGen C0035934, MONDO:0019188.

Submission:

Labcorp Genetics (formerly Invitae), Labcorp
Classification: Pathogenic for Rubinstein-Taybi syndrome. Last evaluated: 2025-09-08. Review status: criteria provided, single submitter. Criteria: Invitae Variant Classification Sherloc (09022015). Collection method: clinical testing. Allele origin: germline.
Comment: This sequence change replaces proline, which is neutral and non-polar, with serine, which is neutral and polar, at codon 1494 of the CREBBP protein (p.Pro1494Ser). This variant is not present in population databases (gnomAD no frequency). This missense change has been observed in individual(s) with Rubinstein-Taybi syndrome (internal data). In at least one individual the variant was observed to be de novo. ClinVar contains an entry for this variant (Variation ID: 1388252). Invitae Evidence Modeling of protein sequence and biophysical properties (such as structural, functional, and spatial information, amino acid conservation, physicochemical variation, residue mobility, and thermodynamic stability) indicates that this missense variant is expected to disrupt CREBBP protein function with a positive predictive value of 95%. For these reasons, this variant has been classified as Pathogenic.

NM_004380.3(CREBBP):c.4480C>T (p.Pro1494Ser)

Gene: CREBBP (CREB binding lysine acetyltransferase; minus strand). Cytogenetic location: 16p13.3.
Variant type: single nucleotide variant.
Coding change: c.4480C>T on transcript NM_004380.3 (MANE Select); coding-DNA position 4480, C replaced by T.
Protein change: p.Pro1494Ser; replaces proline 1494 with serine.
Molecular consequence: missense variant.
Genome position (GRCh38, 1-based): chr16:3,736,730, G>A on the plus strand (C>T on the coding strand, the complement: CREBBP is on the minus strand). VCF-style: chr16-3736730-G-A. GRCh37 (hg19) VCF-style: chr16-3786731-G-A.
Other names: c.4366C>T, p.Pro1456Ser (NM_001079846.1); short protein forms P1456S, P1494S.
Identifiers: ClinVar variation 1388252 (VCV001388252.6), dbSNP rs199817036, ClinGen allele CA394563695.